The following is an entry in ClinVar:

NM_024537.4(CARS2):c.254_255del (p.His85fs)

Gene: CARS2 (cysteinyl-tRNA synthetase 2, mitochondrial; minus strand). Cytogenetic location: 13q34.
Variant type: Deletion.
Coding change: c.254_255del on transcript NM_024537.4 (MANE Select); coding-DNA positions 254 to 255, 2 bases deleted (AT; older notation c.254_255delAT).
Protein change: p.His85fs; shifts the reading frame from histidine 85.
Molecular consequence: frameshift variant. On other transcripts: 5 prime UTR variant (1), non-coding transcript variant (2).
Genome position (GRCh38, 1-based): chr13:110,705,541-110,705,542, AT deleted on the plus strand (AT on the coding strand, the reverse complement: CARS2 is on the minus strand). VCF-style (leftmost placement, unchanged base first): chr13-110705540-CAT-C. GRCh37 (hg19) VCF-style: chr13-111357887-CAT-C.
Other names: c.-746_-745del (NM_001352252.2); c.254_255del, p.His85fs (NM_001352253.3); short protein forms H85fs.
Identifiers: ClinVar variation 958473 (VCV000958473.5), dbSNP rs1204835445, ClinGen allele CA612867161.

ClinVar aggregate classification (germline): Uncertain significance (1 of 4 stars; one submission).

Conditions:
Combined oxidative phosphorylation defect type 27. Also called: Combined oxidative phosphorylation deficiency 27. Identifiers: Orphanet 477774, MedGen C5567608, MONDO:0014728, OMIM 616672.

Allele frequency attached by ClinVar (database versions not stated): gnomAD exomes below 0.00001; TOPMed 0.00001.

Submission:

Labcorp Genetics (formerly Invitae), Labcorp
Classification: Uncertain significance for Combined oxidative phosphorylation defect type 27. Last evaluated: 2020-01-28. Review status: criteria provided, single submitter. Criteria: Invitae Variant Classification Sherloc (09022015). Collection method: clinical testing. Allele origin: germline.
Comment: This sequence change creates a premature translational stop signal (p.His85Argfs*11) in the CARS2 gene. It is expected to result in an absent or disrupted protein product. This variant is not present in population databases (ExAC no frequency). This variant has not been reported in the literature in individuals with CARS2-related conditions. The current clinical and genetic evidence is not sufficient to establish whether loss-of-function variants in CARS2 cause disease. In summary, the available evidence is currently insufficient to determine the role of this variant in disease. Therefore, it has been classified as a Variant of Uncertain Significance.